The following is an entry in ClinVar:

NM_000088.4(COL1A1):c.2681C>A (p.Pro894His)

Gene: COL1A1 (collagen type I alpha 1 chain; minus strand). Cytogenetic location: 17q21.33.
Variant type: single nucleotide variant.
Coding change: c.2681C>A on transcript NM_000088.4 (MANE Select); coding-DNA position 2681, C replaced by A.
Protein change: p.Pro894His; replaces proline 894 with histidine.
Molecular consequence: missense variant.
Genome position (GRCh38, 1-based): chr17:50,189,525, G>T on the plus strand (C>A on the coding strand, the complement: COL1A1 is on the minus strand). VCF-style: chr17-50189525-G-T. GRCh37 (hg19) VCF-style: chr17-48266886-G-T.
Other names: short protein forms P894H.
Identifiers: ClinVar variation 3665341 (VCV003665341.4).

ClinVar aggregate classification (germline): Uncertain significance. Review status: criteria provided, multiple submitters, no conflicts (2 of 4 stars). 3 submissions from 3 submitters: Uncertain significance (3). Last evaluated 2026-06-18.

Conditions:
Cardiovascular phenotype. Identifiers: MedGen CN230736.
Osteogenesis imperfecta type I (OI1). Also called: Lobstein disease; OI, TYPE I; OSTEOGENESIS IMPERFECTA TARDA; OSTEOGENESIS IMPERFECTA WITH BLUE SCLERAE; Osteogenesis imperfecta type 1; Lobstein's Disease. Identifiers: Orphanet 216796, Orphanet 666, MedGen C0023931, MONDO:0008146, OMIM 166200. Disease mechanism: loss of function.

gnomAD v4.1: 11 of 1,613,928 alleles (0.00068%); highest among the groups gnomAD compares: Non-Finnish European, 0.00085%; no homozygotes.

Submissions (3):

Ambry Genetics
Classification: Uncertain significance for Cardiovascular phenotype. Last evaluated: 2026-06-18. Review status: criteria provided, single submitter. Criteria: Ambry Variant Classification Scheme 2023. Collection method: clinical testing. Allele origin: germline.
Comment: The p.P894H variant (also known as c.2681C>A), located in coding exon 39 of the COL1A1 gene, results from a C to A substitution at nucleotide position 2681. The proline at codon 894 is replaced by histidine, an amino acid with similar properties. This amino acid position is conserved. In addition, this alteration is predicted to be deleterious by in silico analysis. Based on the available evidence, the clinical significance of this variant remains unclear.

Labcorp Genetics (formerly Invitae), Labcorp
Classification: Uncertain significance for Osteogenesis imperfecta type I. Last evaluated: 2024-10-23. Review status: criteria provided, single submitter. Criteria: Invitae Variant Classification Sherloc (09022015). Collection method: clinical testing. Allele origin: germline.
Comment: This sequence change replaces proline, which is neutral and non-polar, with histidine, which is basic and polar, at codon 894 of the COL1A1 protein (p.Pro894His). This variant is present in population databases (rs780608934, gnomAD 0.002%). This variant has not been reported in the literature in individuals affected with COL1A1-related conditions. Invitae Evidence Modeling of protein sequence and biophysical properties (such as structural, functional, and spatial information, amino acid conservation, physicochemical variation, residue mobility, and thermodynamic stability) indicates that this missense variant is expected to disrupt COL1A1 protein function with a positive predictive value of 95%. In summary, the available evidence is currently insufficient to determine the role of this variant in disease. Therefore, it has been classified as a Variant of Uncertain Significance.

Blueprint Genetics
Classification: Uncertain significance. Last evaluated: 2024-10-01. Review status: criteria provided, single submitter. Criteria: ACMG Guidelines, 2015. Collection method: clinical testing. Allele origin: germline.